The following is an entry in ClinVar:

NM_003922.4(HERC1):c.4238G>A (p.Arg1413Gln)

Gene: HERC1 (HECT and RLD domain containing E3 ubiquitin protein ligase family member 1; minus strand). Cytogenetic location: 15q22.31.
Variant type: single nucleotide variant.
Coding change: c.4238G>A on transcript NM_003922.4 (MANE Select); coding-DNA position 4238, G replaced by A.
Protein change: p.Arg1413Gln; replaces arginine 1413 with glutamine.
Molecular consequence: missense variant.
Genome position (GRCh38, 1-based): chr15:63,713,578, C>T on the plus strand (G>A on the coding strand, the complement: HERC1 is on the minus strand). VCF-style: chr15-63713578-C-T. GRCh37 (hg19) VCF-style: chr15-64005777-C-T.
Other names: short protein forms R1413Q.
Identifiers: ClinVar variation 741925 (VCV000741925.18), dbSNP rs546366711, ClinGen allele CA7605834.

ClinVar aggregate classification (germline): Benign/Likely benign. Review status: criteria provided, multiple submitters, no conflicts (2 of 4 stars). 4 submissions from 4 submitters: Benign (1); Likely benign (2). 1 of the submissions does not count toward it. Last evaluated 2025-11-01.

Conditions:
Inborn genetic diseases. Identifiers: MedGen C0950123, MeSH D030342.
HERC1-related disorder. Also called: HERC1-related condition.

Allele frequency attached by ClinVar (database versions not stated): TOPMed 0.00003; gnomAD 0.00004 and 0.00025; gnomAD exomes 0.00040 and 0.00073; ExAC 0.00081; 1000 Genomes Project 30x 0.00156; 1000 Genomes Project 0.00160.
gnomAD v4.1: 617 of 1,613,826 alleles (0.038%); highest among the groups gnomAD compares: South Asian, 0.63%; 6 homozygotes.

Submissions (4):

CeGaT Center for Human Genetics Tuebingen
Classification: Benign. Last evaluated: 2025-11-01. Review status: criteria provided, single submitter. Criteria: CeGaT Center For Human Genetics Tuebingen Variant Classification Criteria Version 2. Collection method: clinical testing. Allele origin: germline. Affected: yes. Observed: 1 variant allele.
Comment: HERC1: PP2, BS1, BS2

Labcorp Genetics (formerly Invitae), Labcorp
Classification: Likely benign. Last evaluated: 2025-10-01. Review status: criteria provided, single submitter. Criteria: Invitae Variant Classification Sherloc (09022015). Collection method: clinical testing. Allele origin: germline.

Ambry Genetics
Classification: Likely benign for Inborn genetic diseases. Last evaluated: 2021-08-12. Review status: criteria provided, single submitter. Criteria: Ambry Variant Classification Scheme 2023. Collection method: clinical testing. Allele origin: germline.

PreventionGenetics, part of Exact Sciences
Classification: Likely benign for HERC1-related condition. Last evaluated: 2019-10-21. Review status: no assertion criteria provided. Collection method: clinical testing. Allele origin: germline. Not counted in ClinVar's aggregate classification.
Comment: This variant is classified as likely benign based on ACMG/AMP sequence variant interpretation guidelines (Richards et al. 2015 PMID: 25741868, with internal and published modifications).